The following is an entry in ClinVar:

NM_024496.4(IRF2BPL):c.291CGC[3] (p.Ala101_Ala102del)

Genes: IRF2BPL (interferon regulatory factor 2 binding protein like; minus strand), LOC107984638 (uncharacterized LOC107984638; plus strand). Cytogenetic location: 14q24.3.
Variant type: Microsatellite.
Coding change: c.291CGC[3] on transcript NM_024496.4 (MANE Select); three copies in a row of the 3-base unit CGC starting at c.291; the reference has five copies in a row; two copies, 6 bases deleted; also written c.300_305del.
Protein change: p.Ala101_Ala102del.
Molecular consequence: non-coding transcript variant (on NR_190000.1).
Genome position (GRCh38, 1-based): chr14:77,027,488-77,027,493, GCGGCG deleted on the plus strand (CGCCGC on the coding strand, the reverse complement: IRF2BPL is on the minus strand); deleting any 6 consecutive bases within chr14:77,027,488-77,027,504 gives the same sequence; the position shown is the placement nearest the transcript's 3' end. VCF-style (leftmost placement, unchanged base first): chr14-77027487-CGCGGCG-C. GRCh37 (hg19) VCF-style: chr14-77493830-CGCGGCG-C.
Other names: c.300_305del (NM_024496.4).
Identifiers: ClinVar variation 3911766 (VCV003911766.4).
Genomic context (GRCh38, chr14:77,027,487, plus strand): 5'-CTGCTGCTGCTGCTGCTGCTGCTGTTGCTGCTGCTGCTGCTGCTGTTGCTGTTGCTGTTG[CGCGGCG>C]GCGGCGGCGGCCGCCGCTGCTGCCGCCGCCGCCGCCGCTTCCTTAGCCGACAGGGCCACT-3'

ClinVar aggregate classification (germline): Conflicting classifications of pathogenicity. Review status: criteria provided, conflicting classifications (1 of 4 stars). 2 submissions from 2 submitters: Uncertain significance (1); Likely benign (1). Last evaluated 2025-12-24.

Conditions:
Neurodevelopmental disorder with regression, abnormal movements, loss of speech, and seizures. Identifiers: Orphanet 597623, MedGen C4748127, MONDO:0060759, OMIM 618088.

Submissions (2):

Dasa
Classification: Uncertain significance for Neurodevelopmental disorder with regression, abnormal movements, loss of speech, and seizures. Last evaluated: 2025-12-24. Review status: criteria provided, single submitter. Criteria: DASA Assertion Criteria. Collection method: clinical testing. Allele origin: germline.
Comment: NM_024496.4(IRF2BPL):c.300_305del (p.Ala101_Ala102del) is an in-frame deletion predicted to remove amino acids from alanine at protein position 101 through alanine at protein position 102 without shifting the reading frame. This variant is rare in population databases. The currently available literature and clinical evidence are not sufficient to establish a definitive association between this variant and the reported condition. Therefore, this variant is classified as a variant of uncertain significance.

Laboratory of Genetics, Children's Clinical University Hospital Latvia
Classification: Likely benign. Last evaluated: 2025-10-03. Review status: criteria provided, single submitter. Criteria: ACMG Guidelines, 2015. Collection method: clinical testing. Allele origin: germline. Affected: yes.